The following is an entry in ClinVar:

ClinVar aggregate classification (germline): Conflicting classifications of pathogenicity. Review status: criteria provided, conflicting classifications (1 of 4 stars). 2 submissions from 2 submitters: Pathogenic (1); Uncertain significance (1). Last evaluated 2024-03-01.

Conditions:
Leigh syndrome (NULS). Also called: Leigh's necrotizing encephalopathy; Leigh's disease; Leigh Syndrome (mtDNA deletion); Leigh Disease; Subacute necrotizing encephalopathy; Necrotizing encephalopathy infantile subacute of Leigh. Identifiers: Orphanet 506, MedGen C2931891, MONDO:0009723, OMIM 256000.

Submissions (2):

Key Laboratory of Laboratory Medicine, Ministry of Education, Wenzhou Medical University
Classification: Pathogenic for Leigh syndrome. Last evaluated: 2024-03-01. Review status: criteria provided, single submitter. Criteria: ACMG Guidelines, 2015. Collection method: research, in vitro. Allele origin: de novo, not applicable. Affected: yes. Observed: 1 variant allele. Functional consequence: loss_of_function_variant.
Comment: PS2+PS3+PM2(ACMG Guidelines, 2015)

Wong Mito Lab, Molecular and Human Genetics, Baylor College of Medicine
Classification: Uncertain significance for Leigh syndrome. Last evaluated: 2019-10-17. Review status: criteria provided, single submitter. Criteria: Modified ACMG Guidelines (Unpublished). Collection method: clinical testing. Allele origin: germline.
Comment: The NC_012920.1:m.13112T>C (YP_003024036.1:p.Leu259Ser) variant in MTND5 gene is interpretated to be a Uncertain Significance variant based on the modified ACMG guidelines (unpublished). This variant meets the following evidence codes: PP7

NC_012920.1(MT-ND5):m.13112T>C

Gene: MT-ND5 (mitochondrially encoded NADH dehydrogenase 5; plus strand).
Variant type: single nucleotide variant.
Genome position: chrM-13112-T-C.
Identifiers: ClinVar variation 693521 (VCV000693521.4), dbSNP rs1603224043, ClinGen allele CA414816577.